The following is an entry in ClinVar:

ClinVar aggregate classification (germline): Conflicting classifications of pathogenicity. Review status: criteria provided, conflicting classifications (1 of 4 stars). 5 submissions from 5 submitters: Uncertain significance (4); Benign (1). Last evaluated 2026-06-15.

Conditions:
VHL-related disorder. Also called: VHL-related condition.
Von Hippel-Lindau syndrome (VHLS). Also called: von Hippel–Lindau syndrome; Von Hippel-Lindau; VHL syndrome. Identifiers: Orphanet 892, MedGen C0019562, MONDO:0008667, OMIM 193300. Disease mechanism: loss of function.
Chuvash polycythemia. Also called: POLYCYTHEMIA, VHL-DEPENDENT. Identifiers: Orphanet 238557, MedGen C1837915, MONDO:0009892, OMIM 263400.
Hereditary cancer-predisposing syndrome. Also called: Neoplastic Syndromes, Hereditary; Hereditary neoplastic syndrome; Hereditary Cancer Syndrome; Tumor predisposition. Identifiers: Orphanet 140162, MedGen C0027672, MeSH D009386, MONDO:0015356.
Nonpapillary renal cell carcinoma. Identifiers: Orphanet 422526, MedGen CN074294, MONDO:0007763, OMIM 144700.
Pheochromocytoma. Also called: MAX-Related Hereditary Paraganglioma-Pheochromocytoma Syndrome. Identifiers: Orphanet 29072, MedGen C0031511, MONDO:0008233, OMIM 171300, HP:0002666.

Allele frequency attached by ClinVar (database versions not stated): gnomAD exomes below 0.00001.
gnomAD v4.1: 4 of 1,597,790 alleles (0.00025%); highest among the groups gnomAD compares: African/African-American, 0.004%; no homozygotes.

Submissions (5):

PreventionGenetics, part of Exact Sciences
Classification: Uncertain significance for VHL-related condition. Last evaluated: 2026-06-15. Review status: criteria provided, single submitter. Criteria: ACMG Guidelines, 2015. Collection method: clinical testing. Allele origin: germline.
Comment: The VHL c.181C>G variant is predicted to result in the amino acid substitution p.Pro61Ala. To our knowledge, this variant has not been reported in the literature or in a large population database (gnomAD), indicating this variant is rare. This variant is interpreted as uncertain in ClinVar (Variation ID: 238103). At this time, the clinical significance of this variant is uncertain due to the absence of conclusive functional and genetic evidence.

Ambry Genetics
Classification: Benign for Hereditary cancer-predisposing syndrome. Last evaluated: 2026-05-05. Review status: criteria provided, single submitter. Criteria: Ambry Variant Classification Scheme 2023. Collection method: clinical testing. Allele origin: germline.

Labcorp Genetics (formerly Invitae), Labcorp
Classification: Uncertain significance for Von Hippel-Lindau syndrome; Chuvash polycythemia. Last evaluated: 2025-07-30. Review status: criteria provided, single submitter. Criteria: Invitae Variant Classification Sherloc (09022015). Collection method: clinical testing. Allele origin: germline.
Comment: This sequence change replaces proline, which is neutral and non-polar, with alanine, which is neutral and non-polar, at codon 61 of the VHL protein (p.Pro61Ala). This variant is not present in population databases (gnomAD no frequency). This variant has not been reported in the literature in individuals affected with VHL-related conditions. ClinVar contains an entry for this variant (Variation ID: 238103). Invitae Evidence Modeling of protein sequence and biophysical properties (such as structural, functional, and spatial information, amino acid conservation, physicochemical variation, residue mobility, and thermodynamic stability) has been performed for this missense variant. However, the output from this modeling did not meet the statistical confidence thresholds required to predict the impact of this variant on VHL protein function. In summary, the available evidence is currently insufficient to determine the role of this variant in disease. Therefore, it has been classified as a Variant of Uncertain Significance.

Fulgent Genetics
Classification: Uncertain significance for Nonpapillary renal cell carcinoma; Pheochromocytoma; Von Hippel-Lindau syndrome; Chuvash polycythemia. Last evaluated: 2024-04-10. Review status: criteria provided, single submitter. Criteria: ACMG Guidelines, 2015. Collection method: clinical testing. Allele origin: germline.

All of Us Research Program, National Institutes of Health
Classification: Uncertain significance for Von Hippel-Lindau syndrome. Last evaluated: 2023-08-15. Review status: criteria provided, single submitter. Criteria: ACMG Guidelines, 2015. Collection method: clinical testing. Allele origin: germline. Inheritance: Autosomal dominant inheritance. Observed: 3 variant alleles, 3 heterozygotes.
Comment: This missense variant replaces proline with alanine at codon 61 of the VHL protein. Computational prediction suggests that this variant may not impact protein structure and function (internally defined REVEL score threshold <= 0.5, PMID: 27666373). To our knowledge, functional studies have not been reported for this variant. This variant has not been reported in individuals affected with VHL-related disorders in the literature. This variant has not been identified in the general population by the Genome Aggregation Database (gnomAD). The available evidence is insufficient to determine the role of this variant in disease conclusively. Therefore, this variant is classified as a Variant of Uncertain Significance.

This study involves interpretation of variants in research participants for the purpose of population health screening. Participant phenotype was not available at the time of variant classification. Additional details can be found in publication PMID: 35346344, PMCID: PMC8962531

Literature cited by the submitters: PubMed 38969834 (cited by Ambry Genetics).

NM_000551.4(VHL):c.181C>G (p.Pro61Ala)

Gene: VHL (von Hippel-Lindau tumor suppressor; plus strand). Cytogenetic location: 3p25.3.
Variant type: single nucleotide variant.
Coding change: c.181C>G on transcript NM_000551.4 (MANE Select); coding-DNA position 181, C replaced by G.
Protein change: p.Pro61Ala; replaces proline 61 with alanine.
Molecular consequence: missense variant.
Genome position (GRCh38, 1-based): chr3:10,142,028, C>G. VCF-style: chr3-10142028-C-G. GRCh37 (hg19) VCF-style: chr3-10183712-C-G.
Other names: c.181C>G, p.Pro61Ala (NM_001354723.2, NM_198156.3); short protein forms P61A.
Identifiers: ClinVar variation 238103 (VCV000238103.21), dbSNP rs113612866, ClinGen allele CA10582113.